The following is an entry in ClinVar:

ClinVar aggregate classification (germline): Uncertain significance. Review status: criteria provided, multiple submitters, no conflicts (2 of 4 stars). 2 submissions from 2 submitters: Uncertain significance (2). Last evaluated 2024-04-07.

Conditions:
Joubert syndrome 14 (JBTS14). Identifiers: MedGen C3280766, MONDO:0013745, OMIM 614424.

Allele frequency attached by ClinVar (database versions not stated): gnomAD 0.00001; gnomAD exomes 0.00001; ExAC 0.00002; TOPMed 0.00002; 1000 Genomes Project 30x 0.00031; 1000 Genomes Project 0.00040.
gnomAD v4.1: 10 of 1,613,874 alleles (0.00062%); highest among the groups gnomAD compares: Admixed American, 0.017%; no homozygotes.

Submissions (2):

Fulgent Genetics
Classification: Uncertain significance for Joubert syndrome 14. Last evaluated: 2024-04-07. Review status: criteria provided, single submitter. Criteria: ACMG Guidelines, 2015. Collection method: clinical testing. Allele origin: germline.

Labcorp Genetics (formerly Invitae), Labcorp
Classification: Uncertain significance for Joubert syndrome 14. Last evaluated: 2022-11-12. Review status: criteria provided, single submitter. Criteria: Invitae Variant Classification Sherloc (09022015). Collection method: clinical testing. Allele origin: germline.
Comment: This sequence change replaces glycine, which is neutral and non-polar, with alanine, which is neutral and non-polar, at codon 146 of the TMEM237 protein (p.Gly146Ala). This variant is present in population databases (rs184256195, gnomAD 0.003%). This variant has not been reported in the literature in individuals affected with TMEM237-related conditions. ClinVar contains an entry for this variant (Variation ID: 850335). Advanced modeling of protein sequence and biophysical properties (such as structural, functional, and spatial information, amino acid conservation, physicochemical variation, residue mobility, and thermodynamic stability) performed at Invitae indicates that this missense variant is not expected to disrupt TMEM237 protein function. In summary, the available evidence is currently insufficient to determine the role of this variant in disease. Therefore, it has been classified as a Variant of Uncertain Significance.

NM_001044385.3(TMEM237):c.437G>C (p.Gly146Ala)

Gene: TMEM237 (transmembrane protein 237; minus strand). Cytogenetic location: 2q33.1.
Variant type: single nucleotide variant.
Coding change: c.437G>C on transcript NM_001044385.3 (MANE Select); coding-DNA position 437, G replaced by C.
Protein change: p.Gly146Ala; replaces glycine 146 with alanine.
Molecular consequence: missense variant.
Genome position (GRCh38, 1-based): chr2:201,632,167, C>G on the plus strand (G>C on the coding strand, the complement: TMEM237 is on the minus strand). VCF-style: chr2-201632167-C-G. GRCh37 (hg19) VCF-style: chr2-202496890-C-G.
Other names: c.413G>C, p.Gly138Ala (NM_152388.4); short protein forms G138A, G146A.
Identifiers: ClinVar variation 850335 (VCV000850335.11), dbSNP rs184256195, ClinGen allele CA2056475.